The following is an entry in ClinVar:

ClinVar aggregate classification (germline): Benign/Likely benign. Review status: criteria provided, multiple submitters, no conflicts (2 of 4 stars). 3 submissions from 3 submitters: Benign (2); Likely benign (1). Last evaluated 2026-09-01.

Allele frequency attached by ClinVar (database versions not stated): 1000 Genomes Project 0.00200; 1000 Genomes Project 30x 0.00219; TOPMed 0.00368; gnomAD 0.00386 and 0.00394; ESP Exome Variant Server 0.00392; ExAC 0.00398; gnomAD exomes 0.00400 and 0.00416.

Submissions (3):

CeGaT Center for Human Genetics Tuebingen
Classification: Benign. Last evaluated: 2026-09-01. Review status: criteria provided, single submitter. Criteria: CeGaT Center For Human Genetics Tuebingen Variant Classification Criteria Version 2. Collection method: clinical testing. Allele origin: germline. Affected: yes. Observed: 30 variant alleles.
Comment: DLL1: BP4, BP7, BS1, BS2

Labcorp Genetics (formerly Invitae), Labcorp
Classification: Benign. Last evaluated: 2026-01-12. Review status: criteria provided, single submitter. Criteria: Invitae Variant Classification Sherloc (09022015). Collection method: clinical testing. Allele origin: germline.

Blueprint Genetics
Classification: Likely benign. Last evaluated: 2024-11-21. Review status: criteria provided, single submitter. Criteria: ACMG Guidelines, 2015. Collection method: clinical testing. Allele origin: germline.

NM_005618.4(DLL1):c.2133C>T (p.Ser711=)

Genes: DLL1 (delta like canonical Notch ligand 1; minus strand), LOC126859913 (P300/CBP strongly-dependent group 1 enhancer GRCh37_chr6:170591232-170592431; plus strand). Cytogenetic location: 6q27.
Variant type: single nucleotide variant.
Coding change: c.2133C>T on transcript NM_005618.4 (MANE Select); coding-DNA position 2133, C replaced by T.
Protein change: p.Ser711=; no amino-acid change (serine 711 retained).
Molecular consequence: synonymous variant.
Genome position (GRCh38, 1-based): chr6:170,283,021, G>A on the plus strand (C>T on the coding strand, the complement: DLL1 is on the minus strand). VCF-style: chr6-170283021-G-A. GRCh37 (hg19) VCF-style: chr6-170592109-G-A.
Identifiers: ClinVar variation 777173 (VCV000777173.40), dbSNP rs118154169, ClinGen allele CA4106606.